The following is an entry in ClinVar:

ClinVar aggregate classification (germline): Likely benign. Review status: criteria provided, multiple submitters, no conflicts (2 of 4 stars). 2 submissions from 2 submitters: Likely benign (2). Last evaluated 2024-11-13.

Allele frequency attached by ClinVar (database versions not stated): TOPMed 0.00007; gnomAD 0.00036; gnomAD exomes 0.00052; ExAC 0.00184; 1000 Genomes Project 30x 0.00203; 1000 Genomes Project 0.00220.
gnomAD v4.1: 809 of 1,602,208 alleles (0.05%); highest among the groups gnomAD compares: South Asian, 0.83%; 4 homozygotes.

Submissions (2):

Blueprint Genetics
Classification: Likely benign. Last evaluated: 2024-11-13. Review status: criteria provided, single submitter. Criteria: ACMG Guidelines, 2015. Collection method: clinical testing. Allele origin: germline.

CeGaT Center for Human Genetics Tuebingen
Classification: Likely benign. Last evaluated: 2022-06-01. Review status: criteria provided, single submitter. Criteria: CeGaT Center For Human Genetics Tuebingen Variant Classification Criteria Version 2. Collection method: clinical testing. Allele origin: germline. Affected: yes. Observed: 1 variant allele.
Comment: SPTBN4: BP4, BP7

NM_020971.3(SPTBN4):c.6912G>A (p.Glu2304=)

Gene: SPTBN4 (spectrin beta, non-erythrocytic 4; plus strand). Cytogenetic location: 19q13.2.
Variant type: single nucleotide variant.
Coding change: c.6912G>A on transcript NM_020971.3 (MANE Select); coding-DNA position 6912, G replaced by A.
Protein change: p.Glu2304=; no amino-acid change (glutamic acid 2304 retained).
Molecular consequence: synonymous variant.
Genome position (GRCh38, 1-based): chr19:40,568,238, G>A. VCF-style: chr19-40568238-G-A. GRCh37 (hg19) VCF-style: chr19-41074144-G-A.
Identifiers: ClinVar variation 2649910 (VCV002649910.23), dbSNP rs544049103, ClinGen allele CA9446835.
Genomic context (GRCh38, chr19:40,568,238, plus strand): 5'-CCGCTATGAGCAGATGGAGCGGCGGCGCGAGCGGCGTGAGCGGCGCTTGGAGCGGCAGGA[G>A]TCCAGCGAACAGGAGATGCCCATCAGAGGAGACCTGGTCAAGGGGTGAGGTGCCCGCCTT-3'
Protein context (NP_066022.2, residues 2294-2314): ERRERRLERQ[Glu2304=]SSEQEMPIRG